The following is an entry in ClinVar:

ClinVar aggregate classification (germline): Conflicting classifications of pathogenicity. Review status: criteria provided, conflicting classifications (1 of 4 stars). 10 submissions from 10 submitters: Likely pathogenic (2); Uncertain significance (7). 1 of the submissions does not count toward it. Last evaluated 2025-12-15.

Conditions:
Cardiac arrhythmia. Also called: Arrhythmia; Cardiac rhythm disease. Identifiers: MedGen C0003811, MONDO:0007263, HP:0011675.
Cardiovascular phenotype. Identifiers: MedGen CN230736.
Familial long QT syndrome (RWS). Also called: Congenital long QT syndrome; Romano-Ward syndrome; VENTRICULAR FIBRILLATION WITH PROLONGED QT INTERVAL. Identifiers: Orphanet 768, MedGen C1141890, MONDO:0019171.
Atrial fibrillation, familial, 3 (ATFB3). Identifiers: MedGen C1837014, MONDO:0011857, OMIM 607554.
Long QT syndrome 1 (LQT1). Identifiers: Orphanet 101016, Orphanet 768, MedGen C4551647, MONDO:0100316, OMIM 192500, MONDO:0008646.
Beckwith-Wiedemann syndrome (BWS). Also called: Exomphalos macroglossia gigantism syndrome; EMG SYNDROME. Identifiers: Orphanet 116, MedGen C0004903, MONDO:0007534, OMIM 130650.
Jervell and Lange-Nielsen syndrome 1 (JLNS1). Also called: CARDIOAUDITORY SYNDROME OF JERVELL AND LANGE-NIELSEN; DEAFNESS, CONGENITAL, AND FUNCTIONAL HEART DISEASE; PROLONGED QT INTERVAL IN EKG AND SUDDEN DEATH; SURDO-CARDIAC SYNDROME. Identifiers: Orphanet 768, Orphanet 90647, MedGen C4551509, MONDO:0024540, OMIM 220400.
Short QT syndrome type 2. Identifiers: Orphanet 51083, MedGen C1865019, MONDO:0012313, OMIM 609621.
Atrial fibrillation. Identifiers: MedGen C0004238, MONDO:0004981, HP:0005110.
Long QT syndrome (LQTS). Identifiers: MedGen C0023976, MeSH D008133, MONDO:0002442. Disease mechanism: loss of function. Inheritance: Various modes of inheritance.

Allele frequency attached by ClinVar (database versions not stated): ExAC 0.00002; gnomAD 0.00003 and 0.00004; ESP Exome Variant Server 0.00008; gnomAD exomes 0.00003; TOPMed 0.00004.
gnomAD v4.1: 28 of 1,611,616 alleles (0.0017%); highest among the groups gnomAD compares: East Asian, 0.0022%; no homozygotes.

Submissions (10):

Labcorp Genetics (formerly Invitae), Labcorp
Classification: Likely pathogenic for Long QT syndrome. Last evaluated: 2025-12-15. Review status: criteria provided, single submitter. Criteria: Invitae Variant Classification Sherloc (09022015). Collection method: clinical testing. Allele origin: germline.
Comment: This sequence change replaces arginine, which is basic and polar, with tryptophan, which is neutral and slightly polar, at codon 195 of the KCNQ1 protein (p.Arg195Trp). This variant is present in population databases (rs150172393, gnomAD 0.006%). This missense change has been observed in individuals with prolonged QT interval and lone atrial fibrillation (PMID: 19716085, 25786344, 35703482; internal data). ClinVar contains an entry for this variant (Variation ID: 67087). Invitae Evidence Modeling of protein sequence and biophysical properties (such as structural, functional, and spatial information, amino acid conservation, physicochemical variation, residue mobility, and thermodynamic stability) has been performed for this missense variant. However, the output from this modeling did not meet the statistical confidence thresholds required to predict the impact of this variant on KCNQ1 protein function. Experimental studies have shown that this missense change affects KCNQ1 function (PMID: 24947509, 25786344, 33600800). In summary, the currently available evidence indicates that the variant is pathogenic, but additional data are needed to prove that conclusively. Therefore, this variant has been classified as Likely Pathogenic.

All of Us Research Program, National Institutes of Health
Classification: Uncertain significance for Long QT syndrome. Last evaluated: 2024-06-09. Review status: criteria provided, single submitter. Criteria: ACMG Guidelines, 2015. Collection method: clinical testing. Allele origin: germline. Inheritance: Autosomal dominant inheritance. Observed: 15 variant alleles, 15 heterozygotes.
Comment: This missense variant replaces arginine with tryptophan at codon 195 of the KCNQ1 protein. This variant is found within the highly conserved cytoplasmic linker region (a.a. 169-196). Rare non-truncating variants in this region have been shown to be significantly overrepresented in individuals with long QT syndrome (PMID: 32893267). A functional study has shown that this variant increases channel current in Xenopus laevis oocytes (PMID: 25786344), while another study using a different expression system demonstrated that this variant causes reductions in cell surface expression, total expression, and trafficking efficiency compared to the wild type (PMID: 33600800). This variant has been reported in an individual affected with long QT syndrome (PMID: 35703482) and in two individuals referred for long QT syndrome testing (PMID: 19716085). It has also been reported in an individual affected with early-onset lone atrial fibrillation (PMID: 24144883, 25786344). This variant has been identified in 8/280548 chromosomes in the general population by the Genome Aggregation Database (gnomAD). The available evidence is insufficient to determine the role of this variant in disease conclusively. Therefore, this variant is classified as a Variant of Uncertain Significance.

This study involves interpretation of variants in research participants for the purpose of population health screening. Participant phenotype was not available at the time of variant classification. Additional details can be found in publication PMID: 35346344, PMCID: PMC8962531

Color Diagnostics, LLC DBA Color Health
Classification: Uncertain significance for Cardiac arrhythmia. Last evaluated: 2024-04-24. Review status: criteria provided, single submitter. Criteria: ACMG Guidelines, 2015. Collection method: clinical testing. Allele origin: germline.
Comment: This missense variant replaces arginine with tryptophan at codon 195 of the KCNQ1 protein. This variant is found within the highly conserved cytoplasmic linker region (a.a. 169-196). Rare non-truncating variants in this region have been shown to be significantly overrepresented in individuals with long QT syndrome (PMID: 32893267). A functional study has shown that this variant increases channel current in Xenopus laevis oocytes (PMID: 25786344), while another study using a different expression system demonstrated that this variant causes reductions in cell surface expression, total expression, and trafficking efficiency compared to the wild type (PMID: 33600800). This variant has been reported in an individual affected with long QT syndrome (PMID: 35703482) and in two individuals referred for long QT syndrome testing (PMID: 19716085). It has also been reported in an individual affected with early-onset lone atrial fibrillation (PMID: 24144883, 25786344). This variant has been identified in 8/280548 chromosomes in the general population by the Genome Aggregation Database (gnomAD). The available evidence is insufficient to determine the role of this variant in disease conclusively. Therefore, this variant is classified as a Variant of Uncertain Significance.

Blueprint Genetics
Classification: Uncertain significance. Last evaluated: 2024-03-15. Review status: criteria provided, single submitter. Criteria: ACMG Guidelines, 2015. Collection method: clinical testing. Allele origin: germline.

Lildballe Lab, Aarhus University Hospital
Classification: Likely pathogenic for Atrial fibrillation. Last evaluated: 2024-03-01. Review status: criteria provided, single submitter. Criteria: ACMG Guidelines, 2015. Collection method: research. Allele origin: germline. Affected: yes.
Comment: PM1(m), PP2(sup), PM2(sup), PP3(m)

Women's Health and Genetics/Laboratory Corporation of America, LabCorp
Classification: Uncertain significance. Last evaluated: 2024-02-15. Review status: criteria provided, single submitter. Criteria: LabCorp Variant Classification Summary - May 2015. Collection method: clinical testing. Allele origin: germline.
Comment: Variant summary: KCNQ1 c.583C>T (p.Arg195Trp) results in a non-conservative amino acid change located in the Ion transport domain (IPR005821) of the encoded protein sequence. Five of five in-silico tools predict a damaging effect of the variant on protein function. The variant allele was found at a frequency of 2.8e-05 in 249190 control chromosomes (gnomAD). The available data on variant occurrences in the general population are insufficient to allow any conclusion about variant significance. c.583C>T has been reported in the literature in individuals affected with long-QT syndrome or atrial fibrillation (Kapplinger_2009, Olesen_2013, Steffensen_2015, Diebold_2020, Saat_2022). These reports do not provide unequivocal conclusions about association of the variant with Arrhythmia. At least two publications report experimental evidence evaluating an impact on protein function, however, does not allow convincing conclusions about the variant effect (Steffensen_2015, Huang_2021). The following publications have been ascertained in the context of this evaluation (PMID: 25637381, 32048431, 33600800, 19716085, 24190995, 24144883, 35703482, 25786344). ClinVar contains an entry for this variant (Variation ID: 67087). Based on the evidence outlined above, the variant was classified as uncertain significance.

Ambry Genetics
Classification: Uncertain significance for Cardiovascular phenotype. Last evaluated: 2023-03-02. Review status: criteria provided, single submitter. Criteria: Ambry General Variant Classification Scheme_2022. Collection method: clinical testing. Allele origin: germline.
Comment: The p.R195W variant (also known as c.583C>T), located in coding exon 3 of the KCNQ1 gene, results from a C to T substitution at nucleotide position 583. The arginine at codon 195 is replaced by tryptophan, an amino acid with dissimilar properties. This alteration has been reported in a long QT syndrome clinical genetic testing cohort, an early-onset atrial fibrillation cohort, and an exome cohort, often with limited clinical detail (Kapplinger JD et al. Heart Rhythm, 2009 Sep;6:1297-303; Olesen MS et al. Heart Rhythm, 2014 Feb;11:246-51; Amendola LM et al. Genome Res., 2015 Mar;25:305-15). In vitro studies have suggested that this mutant enhances the channel activity and reduces protein cell-surface expression; however, additional evidence is needed to confirm these findings. (Steffensen AB et al. J. Cardiovasc. Electrophysiol., 2015 Jul;26:715-23; Huang H et al. J Biol Chem. 2021 Feb;296:100423). This amino acid position is highly conserved in available vertebrate species. In addition, this alteration is predicted to be deleterious by in silico analysis. Since supporting evidence is limited at this time, the clinical significance of this alteration remains unclear.

Fulgent Genetics
Classification: Uncertain significance for Beckwith-Wiedemann syndrome; Long QT syndrome 1; Jervell and Lange-Nielsen syndrome 1; Atrial fibrillation, familial, 3; Short QT syndrome type 2. Last evaluated: 2021-12-23. Review status: criteria provided, single submitter. Criteria: ACMG Guidelines, 2015. Collection method: clinical testing. Allele origin: unknown.

CSER _CC_NCGL, University of Washington
Classification: Uncertain significance for Long QT syndrome. Last evaluated: 2014-06-01. Review status: criteria provided, single submitter. Criteria: Amendola et al. (Genome Res. 2015). Collection method: research. Allele origin: germline. Inheritance: Autosomal dominant inheritance. Study: ESP 6500 variant annotation.
Comment: Low GERP score may suggest that this variant may belong in a lower pathogenicity class

Variants classified for the Actionable exomic incidental findings in 6503 participants: challenges of variant classification manuscript

Cardiovascular Biomedical Research Unit, Royal Brompton & Harefield NHS Foundation Trust
No classification provided. Condition: Familial long QT syndrome. Review status: no classification provided. Collection method: literature only. Allele origin: germline. Not counted in ClinVar's aggregate classification.
Comment: This variant has been reported as associated with Long QT syndrome in the following publications (PMID:19716085). This is a literature report, and does not necessarily reflect the clinical interpretation of the Imperial College / Royal Brompton Cardiovascular Genetics laboratory.

Literature cited by the submitters: PubMed 19716085 (cited by 6 submitters); PubMed 25786344 (cited by 5 submitters); PubMed 35703482 (cited by 4 submitters); PubMed 24947509 (cited by Labcorp Genetics (formerly Invitae), Labcorp and Ambry Genetics); PubMed 33600800 (cited by 5 submitters); PubMed 24144883 (cited by 4 submitters); PubMed 32893267 (cited by All of Us Research Program, National Institutes of Health and Color Diagnostics, LLC DBA Color Health); PubMed 25741888 (cited by Lildballe Lab, Aarhus University Hospital); PubMed 39481677 (cited by Lildballe Lab, Aarhus University Hospital); PubMed 25637381 (cited by Women's Health and Genetics/Laboratory Corporation of America, LabCorp and Ambry Genetics); PubMed 24190995 (cited by Women's Health and Genetics/Laboratory Corporation of America, LabCorp and Ambry Genetics); PubMed 32048431 (cited by Women's Health and Genetics/Laboratory Corporation of America, LabCorp); PubMed 35442947 (cited by Ambry Genetics); PubMed 22581653 (cited by Cardiovascular Biomedical Research Unit, Royal Brompton & Harefield NHS Foundation Trust).

NM_000218.3(KCNQ1):c.583C>T (p.Arg195Trp)

Gene: KCNQ1 (potassium voltage-gated channel subfamily Q member 1; plus strand). Cytogenetic location: 11p15.5.
Variant type: single nucleotide variant.
Coding change: c.583C>T on transcript NM_000218.3 (MANE Select); coding-DNA position 583, C replaced by T.
Protein change: p.Arg195Trp; replaces arginine 195 with tryptophan.
Molecular consequence: missense variant.
Genome position (GRCh38, 1-based): chr11:2,570,733, C>T. VCF-style: chr11-2570733-C-T. GRCh37 (hg19) VCF-style: chr11-2591963-C-T.
Other names: c.583C>T (LRG_287t1); c.583C>T, p.Arg195Trp (NM_001406836.1); c.313C>T, p.Arg105Trp (NM_001406837.1); c.202C>T, p.Arg68Trp (NM_181798.2); short protein forms R195W, R68W, R105W.
Identifiers: ClinVar variation 67087 (VCV000067087.22), dbSNP rs150172393, ClinGen allele CA007637.